The following is an entry in ClinVar:

ClinVar aggregate classification (germline): Pathogenic (1 of 4 stars; one submission).

Conditions:
Hereditary cancer-predisposing syndrome. Also called: Tumor predisposition; Hereditary Cancer Syndrome; Neoplastic Syndromes, Hereditary; Hereditary neoplastic syndrome. Identifiers: Orphanet 140162, MedGen C0027672, MeSH D009386, MONDO:0015356.

Submission:

Ambry Genetics
Classification: Pathogenic for Hereditary cancer-predisposing syndrome. Last evaluated: 2018-11-21. Review status: criteria provided, single submitter. Criteria: Ambry Variant Classification Scheme 2023. Collection method: clinical testing. Allele origin: germline.
Comment: The c.1095delC variant, located in coding exon 8 of the BMPR1A gene, results from a deletion of one nucleotide at nucleotide position 1095, causing a translational frameshift with a predicted alternate stop codon (p.S365Rfs*34). This alteration is expected to result in loss of function by premature protein truncation or nonsense-mediated mRNA decay. As such, this alteration is interpreted as a disease-causing mutation.

NM_004329.3(BMPR1A):c.1095del (p.Ser365fs)

Gene: BMPR1A (bone morphogenetic protein receptor type 1A; plus strand). Cytogenetic location: 10q23.2.
Variant type: Deletion.
Coding change: c.1095del on transcript NM_004329.3 (MANE Select); coding-DNA position 1095, one base deleted (C; older notation c.1095delC).
Protein change: p.Ser365fs; shifts the reading frame from serine 365.
Molecular consequence: frameshift variant.
Genome position (GRCh38, 1-based): chr10:86,919,398, C deleted. VCF-style (leftmost placement, unchanged base first): chr10-86919397-GC-G. GRCh37 (hg19) VCF-style: chr10-88679154-GC-G.
Other names: short protein forms S365fs.
Identifiers: ClinVar variation 822155 (VCV000822155.4), dbSNP rs1589291774, ClinGen allele CA915947544.